The following is an entry in ClinVar:

ClinVar aggregate classification (germline): Uncertain significance (1 of 4 stars; one submission).

Submission:

CeGaT Center for Human Genetics Tuebingen
Classification: Uncertain significance. Last evaluated: 2025-02-01. Review status: criteria provided, single submitter. Criteria: CeGaT Center For Human Genetics Tuebingen Variant Classification Criteria Version 2. Collection method: clinical testing. Allele origin: germline. Affected: yes. Observed: 1 variant allele.
Comment: BPTF: PM2:Supporting, PP2, PP3

NM_182641.4(BPTF):c.2687A>G (p.Lys896Arg)

Gene: BPTF (bromodomain PHD finger transcription factor; plus strand). Cytogenetic location: 17q24.2.
Variant type: single nucleotide variant.
Coding change: c.2687A>G on transcript NM_182641.4 (MANE Select); coding-DNA position 2687, A replaced by G.
Protein change: p.Lys896Arg; replaces lysine 896 with arginine.
Molecular consequence: missense variant.
Genome position (GRCh38, 1-based): chr17:67,904,715, A>G. VCF-style: chr17-67904715-A-G. GRCh37 (hg19) VCF-style: chr17-65900831-A-G.
Other names: c.3065A>G, p.Lys1022Arg (NM_004459.7); short protein forms K1022R, K896R.
Identifiers: ClinVar variation 3772488 (VCV003772488.13).
Genomic context (GRCh38, chr17:67,904,715, plus strand): 5'-GCATTGTTATTCTTATTGTTTAATCAAAATGTTTTCATTTACACCAGGTTTGGAAACAAA[A>G]AGGTGAAGAGTACAGAGTGACAGGATATGGTGGTTGGAGCTGGATTAGTAAAACTCATGT-3'
Protein context (NP_872579.2, residues 886-906): FPVKHQVWKQ[Lys896Arg]GEEYRVTGYG